The following is an entry in ClinVar:

ClinVar aggregate classification (germline): Conflicting classifications of pathogenicity. Review status: criteria provided, conflicting classifications (1 of 4 stars). 5 submissions from 5 submitters: Uncertain significance (3); Likely benign (1). 1 of the submissions does not count toward it. Last evaluated 2025-12-11.

Conditions:
MCM2-related disorder. Also called: MCM2-related condition.

Allele frequency attached by ClinVar (database versions not stated): ExAC 0.00023; 1000 Genomes Project 30x 0.00031; gnomAD 0.00031 and 0.00032; 1000 Genomes Project 0.00040; TOPMed 0.00042; ESP Exome Variant Server 0.00046.
gnomAD v4.1: 447 of 1,606,992 alleles (0.028%); highest among the groups gnomAD compares: Middle Eastern, 0.83%; 2 homozygotes.

Submissions (5):

Labcorp Genetics (formerly Invitae), Labcorp
Classification: Uncertain significance. Last evaluated: 2025-12-11. Review status: criteria provided, single submitter. Criteria: Invitae Variant Classification Sherloc (09022015). Collection method: clinical testing. Allele origin: germline.
Comment: This sequence change replaces methionine, which is neutral and non-polar, with valine, which is neutral and non-polar, at codon 811 of the MCM2 protein (p.Met811Val). This variant is present in population databases (rs150230243, gnomAD 0.03%), and has an allele count higher than expected for a pathogenic variant. This variant has not been reported in the literature in individuals affected with MCM2-related conditions. ClinVar contains an entry for this variant (Variation ID: 1522116). Invitae Evidence Modeling of protein sequence and biophysical properties (such as structural, functional, and spatial information, amino acid conservation, physicochemical variation, residue mobility, and thermodynamic stability) indicates that this missense variant is not expected to disrupt MCM2 protein function with a negative predictive value of 80%. In summary, the available evidence is currently insufficient to determine the role of this variant in disease. Therefore, it has been classified as a Variant of Uncertain Significance.

Ambry Genetics
Classification: Uncertain significance. Last evaluated: 2025-08-11. Review status: criteria provided, single submitter. Criteria: Ambry Variant Classification Scheme 2023. Collection method: clinical testing. Allele origin: germline.

Blueprint Genetics
Classification: Likely benign. Last evaluated: 2024-11-01. Review status: criteria provided, single submitter. Criteria: ACMG Guidelines, 2015. Collection method: clinical testing. Allele origin: germline.

Breakthrough Genomics
Classification: Uncertain significance. Review status: criteria provided, single submitter. Criteria: ACMG Guidelines, 2015. Collection method: not provided. Allele origin: germline. Inheritance: Autosomal dominant inheritance. Affected: yes.

PreventionGenetics, part of Exact Sciences
Classification: Uncertain significance for MCM2-related condition. Last evaluated: 2024-07-24. Review status: no assertion criteria provided. Collection method: clinical testing. Allele origin: germline. Not counted in ClinVar's aggregate classification.
Comment: The MCM2 c.2431A>G variant is predicted to result in the amino acid substitution p.Met811Val. To our knowledge, this variant has not been reported in the literature. This variant is reported in 0.035% of alleles in individuals of European (Non-Finnish) descent in gnomAD. Although we suspect that this variant may be benign, at this time, the clinical significance of this variant is uncertain due to the absence of conclusive functional and genetic evidence.

NM_004526.4(MCM2):c.2431A>G (p.Met811Val)

Genes: MCM2 (minichromosome maintenance complex component 2; plus strand), LOC107986126 (uncharacterized LOC107986126; minus strand). Cytogenetic location: 3q21.3.
Variant type: single nucleotide variant.
Coding change: c.2431A>G on transcript NM_004526.4 (MANE Select); coding-DNA position 2431, A replaced by G.
Protein change: p.Met811Val; replaces methionine 811 with valine.
Molecular consequence: missense variant. On other transcripts: non-coding transcript variant (1).
Genome position (GRCh38, 1-based): chr3:127,620,863, A>G. VCF-style: chr3-127620863-A-G. GRCh37 (hg19) VCF-style: chr3-127339706-A-G.
Other names: c.2431A>G (NM_004526.3, NM_004526.2); short protein forms M811V.
Identifiers: ClinVar variation 1522116 (VCV001522116.13), dbSNP rs150230243, ClinGen allele CA2596223.